The following is an entry in ClinVar:

ClinVar aggregate classification (germline): Uncertain significance. Review status: criteria provided, multiple submitters, no conflicts (2 of 4 stars). 2 submissions from 2 submitters: Uncertain significance (2). Last evaluated 2025-07-30.

Conditions:
Pancreatic adenocarcinoma. Identifiers: MedGen C0281361, MONDO:0006047, HP:0006725.

Allele frequency attached by ClinVar (database versions not stated): TOPMed below 0.00001; gnomAD exomes 0.00002.
gnomAD v4.1: 5 of 1,527,256 alleles (0.00033%); highest among the groups gnomAD compares: Admixed American, 0.0059%; no homozygotes.

Submissions (2):

Labcorp Genetics (formerly Invitae), Labcorp
Classification: Uncertain significance for Pancreatic adenocarcinoma. Last evaluated: 2025-07-30. Review status: criteria provided, single submitter. Criteria: Invitae Variant Classification Sherloc (09022015). Collection method: clinical testing. Allele origin: germline.
Comment: This sequence change replaces threonine, which is neutral and polar, with serine, which is neutral and polar, at codon 131 of the PALLD protein (p.Thr131Ser). This variant is present in population databases (no rsID available, gnomAD 0.009%). This variant has not been reported in the literature in individuals affected with PALLD-related conditions. ClinVar contains an entry for this variant (Variation ID: 1433669). An algorithm developed to predict the effect of missense changes on protein structure and function (PolyPhen-2) suggests that this variant is likely to be tolerated. In summary, the available evidence is currently insufficient to determine the role of this variant in disease. Therefore, it has been classified as a Variant of Uncertain Significance.

Ambry Genetics
Classification: Uncertain significance. Last evaluated: 2025-07-05. Review status: criteria provided, single submitter. Criteria: Ambry Variant Classification Scheme 2023. Collection method: clinical testing. Allele origin: germline.
Comment: The p.T131S variant (also known as c.392C>G), located in coding exon 1 of the PALLD gene, results from a C to G substitution at nucleotide position 392. The threonine at codon 131 is replaced by serine, an amino acid with similar properties. This amino acid position is conserved. In addition, this alteration is predicted to be tolerated by in silico analysis. Based on the available evidence, the clinical significance of this variant remains unclear.

NM_001166108.2(PALLD):c.1965-12639C>G

Gene: PALLD (palladin, cytoskeletal associated protein; plus strand). Cytogenetic location: 4q32.3.
Variant type: single nucleotide variant.
Coding change: c.1965-12639C>G on transcript NM_001166108.2 (MANE Select); 12639 bases into the intron before coding-DNA position 1965, C replaced by G.
Molecular consequence: intron variant. On other transcripts: missense variant (1).
Genome position (GRCh38, 1-based): chr4:168,878,283, C>G. VCF-style: chr4-168878283-C-G. GRCh37 (hg19) VCF-style: chr4-169799434-C-G.
Other names: c.392C>G (NM_001166110.1); c.392C>G, p.Thr131Ser (NM_001166110.2); c.1965-12639C>G (NM_016081.4); c.819-12639C>G (NM_001166109.2); c.-157-12639C>G (NM_001367570.1, NM_001367568.1, NM_001367567.1 and 1 more transcripts); short protein forms T131S.
Identifiers: ClinVar variation 1433669 (VCV001433669.9), dbSNP rs1313429903, ClinGen allele CA358796584.
Genomic context (GRCh38, chr4:168,878,283, plus strand): 5'-CGCCGCCACCACCGCCGCTCCCGAGCCCGGGACAGGCGTCCCACTGCTCGTCGCCTGCCA[C>G]CCGCTTCGGCCACAGCCAGACGCCCGCGGCCTTCCTCAGCGCTCTGCTGCCCTCGCAGCC-3'